The following is an entry in ClinVar:

ClinVar aggregate classification (germline): Likely benign. Review status: criteria provided, single submitter (1 of 4 stars). 2 submissions from 2 submitters: Likely benign (1). 1 of the submissions does not count toward it. Last evaluated 2022-06-03.

Conditions:
IRF3-related disorder. Also called: IRF3-related condition.

Allele frequency attached by ClinVar (database versions not stated): gnomAD exomes 0.00003; gnomAD 0.00004; TOPMed 0.00006; ExAC 0.00012.
gnomAD v4.1: 44 of 1,614,000 alleles (0.0027%); highest among the groups gnomAD compares: East Asian, 0.096%; no homozygotes.

Submissions (2):

Blueprint Genetics
Classification: Likely benign. Last evaluated: 2022-06-03. Review status: criteria provided, single submitter. Criteria: ACMG Guidelines, 2015. Collection method: clinical testing. Allele origin: germline.

PreventionGenetics, part of Exact Sciences
Classification: Likely benign for IRF3-related condition. Last evaluated: 2019-09-17. Review status: no assertion criteria provided. Collection method: clinical testing. Allele origin: germline. Not counted in ClinVar's aggregate classification.
Comment: This variant is classified as likely benign based on ACMG/AMP sequence variant interpretation guidelines (Richards et al. 2015 PMID: 25741868, with internal and published modifications).

NM_001571.6(IRF3):c.885G>A (p.Val295=)

Gene: IRF3 (interferon regulatory factor 3; minus strand). Cytogenetic location: 19q13.33.
Variant type: single nucleotide variant.
Coding change: c.885G>A on transcript NM_001571.6 (MANE Select); coding-DNA position 885, G replaced by A.
Protein change: p.Val295=; no amino-acid change (valine 295 retained).
Molecular consequence: synonymous variant. On other transcripts: non-coding transcript variant (1), intron variant (3).
Genome position (GRCh38, 1-based): chr19:49,662,045, C>T on the plus strand (G>A on the coding strand, the complement: IRF3 is on the minus strand). VCF-style: chr19-49662045-C-T. GRCh37 (hg19) VCF-style: chr19-50165302-C-T.
Other names: c.885G>A, p.Val295= (NM_001197122.2); c.780G>A, p.Val260= (NM_001197123.2); c.447G>A, p.Val149= (NM_001197125.2, NM_001197126.2); c.163+380G>A (NM_001197128.2, NM_001197127.2); c.601+380G>A (NM_001197124.2).
Identifiers: ClinVar variation 3040695 (VCV003040695.3), dbSNP rs762507542, ClinGen allele CA9580313.
Genomic context (GRCh38, chr19:49,662,045, plus strand): 5'-CTTGTCCTTGGGGACCTCGCCATCAGGCCCATGCCCGCTGTTGGGGAGCAGCTCCTCGCT[C>T]ACTGCCCAGTATGTGTGGCAGTGCCCCAGCCGCTGGGCCCAGAGCCACTGCCCGGCCCGC-3'
Protein context (NP_001562.1, residues 285-305): RLGHCHTYWA[Val295=]SEELLPNSGH